The following is an entry in ClinVar:

NM_006379.5(SEMA3C):c.670G>A (p.Val224Ile)

Gene: SEMA3C (semaphorin 3C; minus strand). Cytogenetic location: 7q21.11.
Variant type: single nucleotide variant.
Coding change: c.670G>A on transcript NM_006379.5 (MANE Select); coding-DNA position 670, G replaced by A.
Protein change: p.Val224Ile; replaces valine 224 with isoleucine.
Molecular consequence: missense variant.
Genome position (GRCh38, 1-based): chr7:80,804,237, C>T on the plus strand (G>A on the coding strand, the complement: SEMA3C is on the minus strand). VCF-style: chr7-80804237-C-T. GRCh37 (hg19) VCF-style: chr7-80433553-C-T.
Other names: c.724G>A, p.Val242Ile (NM_001350120.2); c.496G>A, p.Val166Ile (NM_001350121.2); short protein forms V166I, V242I, V224I.
Identifiers: ClinVar variation 2454306 (VCV002454306.26), dbSNP rs775840914, ClinGen allele CA4316357.

ClinVar aggregate classification (germline): Conflicting classifications of pathogenicity. Review status: criteria provided, conflicting classifications (1 of 4 stars). 2 submissions from 2 submitters: Uncertain significance (1); Likely benign (1). Last evaluated 2023-01-26.

Allele frequency attached by ClinVar (database versions not stated): TOPMed below 0.00001; ExAC 0.00002; gnomAD exomes 0.00002; gnomAD 0.00003.
gnomAD v4.1: 27 of 1,597,586 alleles (0.0017%); highest among the groups gnomAD compares: Middle Eastern, 0.1%; no homozygotes.

Submissions (2):

Ambry Genetics
Classification: Uncertain significance. Last evaluated: 2023-01-26. Review status: criteria provided, single submitter. Criteria: Ambry Variant Classification Scheme 2023. Collection method: clinical testing. Allele origin: germline.

CeGaT Center for Human Genetics Tuebingen
Classification: Likely benign. Last evaluated: 2023-01-01. Review status: criteria provided, single submitter. Criteria: CeGaT Center For Human Genetics Tuebingen Variant Classification Criteria Version 2. Collection method: clinical testing. Allele origin: germline. Affected: yes. Observed: 1 variant allele.
Comment: SEMA3C: BP4